The following is an entry in ClinVar:

ClinVar aggregate classification (germline): Benign (1 of 4 stars; one submission).

Conditions:
Leigh syndrome (NULS). Also called: Leigh's necrotizing encephalopathy; Leigh's disease; Leigh Syndrome (mtDNA deletion); Leigh Disease; Subacute necrotizing encephalopathy; Necrotizing encephalopathy infantile subacute of Leigh. Identifiers: Orphanet 506, MedGen C2931891, MONDO:0009723, OMIM 256000.

Submission:

Wong Mito Lab, Molecular and Human Genetics, Baylor College of Medicine
Classification: Benign for Leigh syndrome. Last evaluated: 2019-10-17. Review status: criteria provided, single submitter. Criteria: Modified ACMG Guidelines (Unpublished). Collection method: clinical testing. Allele origin: germline.
Comment: The NC_012920.1:m.13204G>A (YP_003024036.1:p.Val290Ile) variant in MTND5 gene is interpretated to be a Benign variant based on the modified ACMG guidelines (unpublished). This variant meets the following evidence codes: BS1, BS2, BP4

NC_012920.1(MT-ND5):m.13204G>A

Gene: MT-ND5 (mitochondrially encoded NADH dehydrogenase 5; plus strand).
Variant type: single nucleotide variant.
Genome position: chrM-13204-G-A.
Identifiers: ClinVar variation 693535 (VCV000693535.1), dbSNP rs1603224089, ClinGen allele CA414816931.